The following is an entry in ClinVar:

NM_001256789.3(CACNA1F):c.3400G>A (p.Glu1134Lys)

Gene: CACNA1F (calcium voltage-gated channel subunit alpha1 F; minus strand). Cytogenetic location: Xp11.23.
Variant type: single nucleotide variant.
Coding change: c.3400G>A on transcript NM_001256789.3 (MANE Select); coding-DNA position 3400, G replaced by A.
Protein change: p.Glu1134Lys; replaces glutamic acid 1134 with lysine.
Molecular consequence: missense variant.
Genome position (GRCh38, 1-based): chrX:49,215,380, C>T on the plus strand (G>A on the coding strand, the complement: CACNA1F is on the minus strand). VCF-style: chrX-49215380-C-T. GRCh37 (hg19) VCF-style: chrX-49071840-C-T.
Other names: c.3238G>A, p.Glu1080Lys (NM_001256790.3); c.3433G>A, p.Glu1145Lys (NM_005183.4); short protein forms E1080K, E1134K, E1145K.
Identifiers: ClinVar variation 4710757 (VCV004710757.1).

ClinVar aggregate classification (germline): Uncertain significance (1 of 4 stars; one submission).

gnomAD v4.1: 22 of 1,208,292 alleles (0.0018%); highest among the groups gnomAD compares: East Asian, 0.0059%; no homozygotes.

Submission:

Labcorp Genetics (formerly Invitae), Labcorp
Classification: Uncertain significance. Last evaluated: 2025-10-31. Review status: criteria provided, single submitter. Criteria: Invitae Variant Classification Sherloc (09022015). Collection method: clinical testing. Allele origin: germline.
Comment: This sequence change replaces glutamic acid, which is acidic and polar, with lysine, which is basic and polar, at codon 1145 of the CACNA1F protein (p.Glu1145Lys). The frequency data for this variant in the population databases is considered unreliable, as metrics indicate poor data quality at this position in the gnomAD database. This missense change has been observed in individual(s) with congenital stationary night blindness (PMID: 19578023). Invitae Evidence Modeling of protein sequence and biophysical properties (such as structural, functional, and spatial information, amino acid conservation, physicochemical variation, residue mobility, and thermodynamic stability) indicates that this missense variant is expected to disrupt CACNA1F protein function with a positive predictive value of 80%. In summary, the available evidence is currently insufficient to determine the role of this variant in disease. Therefore, it has been classified as a Variant of Uncertain Significance.

Literature cited by the submitters: PubMed 19578023.